The following is an entry in ClinVar:

ClinVar aggregate classification (germline): Uncertain significance (1 of 4 stars; one submission).

Submission:

Women's Health and Genetics/Laboratory Corporation of America, LabCorp
Classification: Uncertain significance. Last evaluated: 2024-03-08. Review status: criteria provided, single submitter. Criteria: LabCorp Variant Classification Summary - May 2015. Collection method: clinical testing. Allele origin: germline.
Comment: Variant summary: ATP7B c.3215G>T (p.Gly1072Val) results in a non-conservative amino acid change located in the P-type ATPase, haloacid dehalogenase domain (IPR044492) of the encoded protein sequence. Five of five in-silico tools predict a damaging effect of the variant on protein function. The variant was absent in 249398 control chromosomes. c.3215G>T has been reported in the literature as a compound heterozygous genotype in at least one individual affected with Wilson Disease (example, Xiao_2021). To our knowledge, no experimental evidence demonstrating an impact on protein function has been reported. The following publication have been ascertained in the context of this evaluation (PMID: 34324271). No submitters have cited clinical-significance assessments for this variant to ClinVar. Based on the evidence outlined above, the variant was classified as VUS-possibly pathogenic.

Literature cited by the submitters: PubMed 34324271.

NM_000053.4(ATP7B):c.3215G>T (p.Gly1072Val)

Gene: ATP7B (ATPase copper transporting beta; minus strand). Cytogenetic location: 13q14.3.
Variant type: single nucleotide variant.
Coding change: c.3215G>T on transcript NM_000053.4 (MANE Select); coding-DNA position 3215, G replaced by T.
Protein change: p.Gly1072Val; replaces glycine 1072 with valine.
Molecular consequence: missense variant. On other transcripts: intron variant (1).
Genome position (GRCh38, 1-based): chr13:51,944,137, C>A on the plus strand (G>T on the coding strand, the complement: ATP7B is on the minus strand). VCF-style: chr13-51944137-C-A. GRCh37 (hg19) VCF-style: chr13-52518273-C-A.
Other names: c.2981G>T, p.Gly994Val (NM_001406538.1, NM_001330578.2, NM_001406527.1 and 1 more transcripts); c.2786G>T, p.Gly929Val (NM_001406539.1); c.2768G>T, p.Gly923Val (NM_001406540.1); c.2729G>T, p.Gly910Val (NM_001406541.1, NM_001406542.1); c.2867G>T, p.Gly956Val (NM_001406543.1); c.2633G>T, p.Gly878Val (NM_001406544.1); c.2567G>T, p.Gly856Val (NM_001406545.1); c.2534G>T, p.Gly845Val (NM_001406546.1); and 19 more; short protein forms G1007V, G1013V, G1024V, G1027V, G1040V, G1054V, G1061V, G1070V.
Identifiers: ClinVar variation 3233583 (VCV003233583.2), dbSNP rs1397311718, ClinGen allele CA388029843.
Genomic context (GRCh38, chr13:51,944,137, plus strand): 5'-GGGAGGGCAGGGCCACGCCCAAGTCCACGTACCTCTTTACAGTATTTGGTGACTGCCACG[C>A]CCAAGGGGTGTTCACTGCTGGCCTCCGCAGTCCCCACCACAGCCAGAACCTTCCTGAGGG-3'
Protein context (NP_000044.2, residues 1062-1082): TAEASSEHPL[Gly1072Val]VAVTKYCKEE